The following is an entry in ClinVar:

NM_000540.3(RYR1):c.11517-2A>G

Gene: RYR1 (ryanodine receptor 1; plus strand). Cytogenetic location: 19q13.2.
Variant type: single nucleotide variant.
Coding change: c.11517-2A>G on transcript NM_000540.3 (MANE Select); the canonical splice acceptor site of the intron before coding-DNA position 11517, A replaced by G.
Molecular consequence: splice acceptor variant.
Genome position (GRCh38, 1-based): chr19:38,535,995, A>G. VCF-style: chr19-38535995-A-G. GRCh37 (hg19) VCF-style: chr19-39026635-A-G.
Other names: c.11502-2A>G (NM_001042723.2).
Identifiers: ClinVar variation 2888246 (VCV002888246.3), dbSNP rs2514535463, ClinGen allele CA405656350.
Genomic context (GRCh38, chr19:38,535,995, plus strand): 5'-CTGGGAGAGAGGAGGGCAGAGGCTTCATCACATACCCCCTATCTTTCCTTTCTTTTCCTC[A>G]GCGTCCTGGATCTCAATGCCTTTGAGAGACAGAACAAGGCCGAGGGGCTGGGCATGGTGA-3'

ClinVar aggregate classification (germline): Likely pathogenic (1 of 4 stars; one submission).

Conditions:
RYR1-related disorder. Also called: RYR1-related condition; RYR1-related disorders. Identifiers: MedGen CN239331.

Submission:

Labcorp Genetics (formerly Invitae), Labcorp
Classification: Likely pathogenic for RYR1-related disorder. Last evaluated: 2023-07-15. Review status: criteria provided, single submitter. Criteria: Invitae Variant Classification Sherloc (09022015). Collection method: clinical testing. Allele origin: germline.
Comment: In summary, the currently available evidence indicates that the variant is pathogenic, but additional data are needed to prove that conclusively. Therefore, this variant has been classified as Likely Pathogenic. Algorithms developed to predict the effect of sequence changes on RNA splicing suggest that this variant may disrupt the consensus splice site. This variant has not been reported in the literature in individuals affected with RYR1-related conditions. This variant is not present in population databases (gnomAD no frequency). This sequence change affects an acceptor splice site in intron 81 of the RYR1 gene. It is expected to disrupt RNA splicing. Variants that disrupt the donor or acceptor splice site typically lead to a loss of protein function (PMID: 16199547), and loss-of-function variants in RYR1 are known to be pathogenic (PMID: 23919265, 25960145, 28818389, 30611313).

Literature cited by the submitters: PubMed 16199547; PubMed 23919265; PubMed 25960145; PubMed 28818389; PubMed 30611313.